The following is an entry in ClinVar:

ClinVar aggregate classification (germline): Benign (0 of 4 stars; one submission).

Conditions:
TTC14-related disorder. Also called: TTC14-related condition.

Allele frequency attached by ClinVar (database versions not stated): 1000 Genomes Project 0.00280; 1000 Genomes Project 30x 0.00281; gnomAD 0.00497; TOPMed 0.00550; ESP Exome Variant Server 0.00577.

Submission:

PreventionGenetics, part of Exact Sciences
Classification: Benign for TTC14-related condition. Last evaluated: 2019-09-18. Review status: no assertion criteria provided. Collection method: clinical testing. Allele origin: germline.
Comment: This variant is classified as benign based on ACMG/AMP sequence variant interpretation guidelines (Richards et al. 2015 PMID: 25741868, with internal and published modifications).

NM_133462.4(TTC14):c.1056G>A (p.Ala352=)

Gene: TTC14 (tetratricopeptide repeat domain 14; plus strand). Cytogenetic location: 3q26.33.
Variant type: single nucleotide variant.
Coding change: c.1056G>A on transcript NM_133462.4 (MANE Select); coding-DNA position 1056, G replaced by A.
Protein change: p.Ala352=; no amino-acid change (alanine 352 retained).
Molecular consequence: synonymous variant.
Genome position (GRCh38, 1-based): chr3:180,606,487, G>A. VCF-style: chr3-180606487-G-A. GRCh37 (hg19) VCF-style: chr3-180324275-G-A.
Other names: c.1056G>A, p.Ala352= (NM_001042601.3, NM_001288582.2).
Identifiers: ClinVar variation 3038263 (VCV003038263.2), dbSNP rs112551592, ClinGen allele CA2715283.